The following is an entry in ClinVar:

ClinVar aggregate classification (germline): Uncertain significance. Review status: criteria provided, multiple submitters, no conflicts (2 of 4 stars). 2 submissions from 2 submitters: Uncertain significance (2). Last evaluated 2025-08-08.

Conditions:
Inborn genetic diseases. Identifiers: MedGen C0950123, MeSH D030342.
COG7 congenital disorder of glycosylation (CDG2E). Also called: CONGENITAL DISORDER OF GLYCOSYLATION, TYPE IIe; CDG IIe. Identifiers: Orphanet 79333, MedGen C2931010, MONDO:0012118, OMIM 608779.

Allele frequency attached by ClinVar (database versions not stated): TOPMed below 0.00001; ExAC 0.00001; gnomAD 0.00001; gnomAD exomes 0.00001.

Submissions (2):

Ambry Genetics
Classification: Uncertain significance for Inborn genetic diseases. Last evaluated: 2025-08-08. Review status: criteria provided, single submitter. Criteria: Ambry Variant Classification Scheme 2023. Collection method: clinical testing. Allele origin: germline.

Labcorp Genetics (formerly Invitae), Labcorp
Classification: Uncertain significance for COG7 congenital disorder of glycosylation. Last evaluated: 2022-05-31. Review status: criteria provided, single submitter. Criteria: Invitae Variant Classification Sherloc (09022015). Collection method: clinical testing. Allele origin: germline.
Comment: This sequence change replaces leucine, which is neutral and non-polar, with phenylalanine, which is neutral and non-polar, at codon 250 of the COG7 protein (p.Leu250Phe). This variant is present in population databases (rs760710960, gnomAD 0.003%). This variant has not been reported in the literature in individuals affected with COG7-related conditions. Algorithms developed to predict the effect of missense changes on protein structure and function are either unavailable or do not agree on the potential impact of this missense change (SIFT: "Deleterious"; PolyPhen-2: "Possibly Damaging"; Align-GVGD: "Class C0"). In summary, the available evidence is currently insufficient to determine the role of this variant in disease. Therefore, it has been classified as a Variant of Uncertain Significance.

NM_153603.4(COG7):c.748C>T (p.Leu250Phe)

Gene: COG7 (component of oligomeric golgi complex 7; minus strand). Cytogenetic location: 16p12.2.
Variant type: single nucleotide variant.
Coding change: c.748C>T on transcript NM_153603.4 (MANE Select); coding-DNA position 748, C replaced by T.
Protein change: p.Leu250Phe; replaces leucine 250 with phenylalanine.
Molecular consequence: missense variant.
Genome position (GRCh38, 1-based): chr16:23,433,607, G>A on the plus strand (C>T on the coding strand, the complement: COG7 is on the minus strand). VCF-style: chr16-23433607-G-A. GRCh37 (hg19) VCF-style: chr16-23444928-G-A.
Other names: c.748C>T (NM_153603.3); short protein forms L250F.
Identifiers: ClinVar variation 1897346 (VCV001897346.3), dbSNP rs760710960, ClinGen allele CA7961198.